The following is an entry in ClinVar:

ClinVar aggregate classification (germline): Likely benign. Review status: criteria provided, multiple submitters, no conflicts (2 of 4 stars). 2 submissions from 2 submitters: Likely benign (2). Last evaluated 2026-06-30.

Conditions:
Hereditary cancer-predisposing syndrome. Also called: Neoplastic Syndromes, Hereditary; Tumor predisposition; Hereditary Cancer Syndrome; Hereditary neoplastic syndrome. Identifiers: Orphanet 140162, MedGen C0027672, MeSH D009386, MONDO:0015356.

Submissions (2):

Women's Health and Genetics/Laboratory Corporation of America, LabCorp
Classification: Likely benign. Last evaluated: 2026-06-30. Review status: criteria provided, single submitter. Criteria: LabCorp Variant Classification Summary - May 2015. Collection method: clinical testing. Allele origin: germline.
Comment: Variant summary: BRCA1 c.4185+9_4185+10insTT alters a nucleotide located at a position not widely known to affect splicing. Consensus agreement among computation tools predict no significant impact on normal splicing. However, these predictions have yet to be confirmed by functional studies. The variant was absent in 237410 control chromosomes. The available data on variant occurrences in the general population are insufficient to allow any conclusion about variant significance. To our knowledge, no occurrence of c.4185+9_4185+10insTT in individuals affected with BRCA1-related conditions and no experimental evidence demonstrating its impact on protein function have been reported. ClinVar contains an entry for this variant (Variation ID: 631198). Based on the evidence outlined above, the variant was classified as likely benign.

Color Diagnostics, LLC DBA Color Health
Classification: Likely benign for Hereditary cancer-predisposing syndrome. Last evaluated: 2018-01-18. Review status: criteria provided, single submitter. Criteria: ACMG Guidelines, 2015. Collection method: clinical testing. Allele origin: germline.

NM_007294.4(BRCA1):c.4185+9_4185+10insTT

Gene: BRCA1 (BRCA1 DNA repair associated; minus strand). Cytogenetic location: 17q21.31.
Variant type: Insertion.
Coding change: c.4185+9_4185+10insTT on transcript NM_007294.4 (MANE Select); bases 9 to 10 of the intron after coding-DNA position 4185, TT inserted.
Molecular consequence: intron variant.
Genome position: GRCh38 VCF-style: chr17-43090934-C-CAA. GRCh37 (hg19) VCF-style: chr17-41242951-C-CAA.
Other names: c.735+9_735+10insTT (NM_001408452.1, NM_001408457.1, NM_001408460.1 and 11 more transcripts); c.4044+9_4044+10insTT (NM_001407850.1, NM_001407752.1, NM_001407944.1 and 29 more transcripts); c.3918+9_3918+10insTT (NM_001407934.1, NM_001407936.1, NM_001407930.1 and 2 more transcripts); c.612+9_612+10insTT (NM_001408497.1, NM_001408496.1, NM_001408499.1 and 3 more transcripts); c.876+9_876+10insTT (NM_001407973.1, NM_001408403.1, NM_001407983.1 and 17 more transcripts); c.4185+9_4185+10insTT (NM_001407596.1, NM_001407622.1, NM_001407602.1 and 30 more transcripts); c.3297+9_3297+10insTT (NM_001407966.1, NM_001407967.1); c.3804+9_3804+10insTT (NM_001407963.1, NM_001407960.1, NM_001407959.1); and 41 more.
Identifiers: ClinVar variation 631198 (VCV000631198.4), dbSNP rs1567788144, ClinGen allele CA913187764.
Genomic context (GRCh38, chr17:43,090,934, plus strand): 5'-GTGGGATACATACTACTGAATGCAAAGGACACCACACACACGCATGTGCACACACACACA[C>CAA]GCTTTTTACCTGAGTGGTTAAAATGTCACTCTGAGAGGATAGCCCTGAGCAGTCTTCAGA-3'